The following is an entry in ClinVar:

ClinVar aggregate classification (germline): Conflicting classifications of pathogenicity. Review status: criteria provided, conflicting classifications (1 of 4 stars). 2 submissions from 2 submitters: Uncertain significance (1); Likely benign (1). Last evaluated 2025-01-20.

Conditions:
Inborn genetic diseases. Identifiers: MedGen C0950123, MeSH D030342.

Allele frequency attached by ClinVar (database versions not stated): ExAC 0.00001; gnomAD 0.00001; gnomAD exomes 0.00001; TOPMed 0.00002.
gnomAD v4.1: 11 of 1,613,588 alleles (0.00068%); highest among the groups gnomAD compares: Admixed American, 0.005%; no homozygotes.

Submissions (2):

Ambry Genetics
Classification: Likely benign for Inborn genetic diseases. Last evaluated: 2025-01-20. Review status: criteria provided, single submitter. Criteria: Ambry Variant Classification Scheme 2023. Collection method: clinical testing. Allele origin: germline.

GeneDx
Classification: Uncertain significance. Last evaluated: 2022-10-24. Review status: criteria provided, single submitter. Criteria: GeneDx Variant Classification Process June 2021. Collection method: clinical testing. Allele origin: germline. Affected: yes.
Comment: Has not been previously published as pathogenic or benign to our knowledge; In silico analysis supports that this missense variant has a deleterious effect on protein structure/function

NM_001205293.3(CACNA1E):c.4177C>T (p.Arg1393Cys)

Gene: CACNA1E (calcium voltage-gated channel subunit alpha1 E; plus strand). Cytogenetic location: 1q25.3.
Variant type: single nucleotide variant.
Coding change: c.4177C>T on transcript NM_001205293.3 (MANE Select); coding-DNA position 4177, C replaced by T.
Protein change: p.Arg1393Cys; replaces arginine 1393 with cysteine.
Molecular consequence: missense variant.
Genome position (GRCh38, 1-based): chr1:181,756,974, C>T. VCF-style: chr1-181756974-C-T. GRCh37 (hg19) VCF-style: chr1-181726110-C-T.
Other names: c.4177C>T, p.Arg1393Cys (NM_000721.4); c.4120C>T, p.Arg1374Cys (NM_001205294.2); c.4177C>T (NM_001205293.1); short protein forms R1374C, R1393C.
Identifiers: ClinVar variation 1712214 (VCV001712214.3), dbSNP rs772762981, ClinGen allele CA1275788.
Genomic context (GRCh38, chr1:181,756,974, plus strand): 5'-TGTCCCCATAGAGTTCTGCAGCACTCTGTAGATGTGACAGAGGAAGACCGAGGCCCAAGC[C>T]GCAGCAACCGCATGGAGATGTCTATCTTTTATGTAGTCTACTTTGTGGTCTTCCCCTTCT-3'
Protein context (NP_001192222.1, residues 1383-1403): DVTEEDRGPS[Arg1393Cys]SNRMEMSIFY